The following is an entry in ClinVar:

NM_005529.7(HSPG2):c.3892C>T (p.Gln1298Ter)

Gene: HSPG2 (heparan sulfate proteoglycan 2; minus strand). Cytogenetic location: 1p36.12.
Variant type: single nucleotide variant.
Coding change: c.3892C>T on transcript NM_005529.7 (MANE Select); coding-DNA position 3892, C replaced by T.
Protein change: p.Gln1298Ter; replaces glutamine 1298 with a stop codon.
Molecular consequence: nonsense.
Genome position (GRCh38, 1-based): chr1:21,872,757, G>A on the plus strand (C>T on the coding strand, the complement: HSPG2 is on the minus strand). VCF-style: chr1-21872757-G-A. GRCh37 (hg19) VCF-style: chr1-22199250-G-A.
Other names: c.3895C>T, p.Gln1299Ter (NM_001291860.2); short protein forms Q1298*, Q1299*.
Identifiers: ClinVar variation 1879080 (VCV001879080.36), dbSNP rs1393101824, ClinGen allele CA338959699.

ClinVar aggregate classification (germline): Pathogenic/Likely pathogenic. Review status: criteria provided, multiple submitters, no conflicts (2 of 4 stars). 3 submissions from 3 submitters: Pathogenic (2); Likely pathogenic (1). Last evaluated 2022-11-15.

Allele frequency attached by ClinVar (database versions not stated): TOPMed 0.00001.
gnomAD v4.1: 13 of 1,608,238 alleles (0.00081%); highest among the groups gnomAD compares: Non-Finnish European, 0.00093%; no homozygotes.

Submissions (3):

Revvity Omics, Revvity
Classification: Likely pathogenic. Last evaluated: 2022-11-15. Review status: criteria provided, single submitter. Criteria: ACMG Guidelines, 2015. Collection method: clinical testing. Allele origin: germline.

CeGaT Center for Human Genetics Tuebingen
Classification: Pathogenic. Last evaluated: 2022-11-01. Review status: criteria provided, single submitter. Criteria: CeGaT Center For Human Genetics Tuebingen Variant Classification Criteria Version 2. Collection method: clinical testing. Allele origin: germline. Affected: yes. Observed: 1 variant allele.
Comment: HSPG2: PVS1:Strong, PM2, PM3, PP4:Moderate

Labcorp Genetics (formerly Invitae), Labcorp
Classification: Pathogenic. Last evaluated: 2022-08-24. Review status: criteria provided, single submitter. Criteria: Invitae Variant Classification Sherloc (09022015). Collection method: clinical testing. Allele origin: germline.
Comment: This sequence change creates a premature translational stop signal (p.Gln1298*) in the HSPG2 gene. It is expected to result in an absent or disrupted protein product. Loss-of-function variants in HSPG2 are known to be pathogenic (PMID: 11279527, 16927315, 20542149, 23836246). This variant is not present in population databases (gnomAD no frequency). This variant has not been reported in the literature in individuals affected with HSPG2-related conditions. For these reasons, this variant has been classified as Pathogenic.

Literature cited by the submitters: PubMed 11279527 (cited by Labcorp Genetics (formerly Invitae), Labcorp); PubMed 16927315 (cited by Labcorp Genetics (formerly Invitae), Labcorp); PubMed 20542149 (cited by Labcorp Genetics (formerly Invitae), Labcorp); PubMed 23836246 (cited by Labcorp Genetics (formerly Invitae), Labcorp).